The following is an entry in ClinVar:

ClinVar aggregate classification (germline): Likely benign (1 of 4 stars; one submission).

Submission:

CeGaT Center for Human Genetics Tuebingen
Classification: Likely benign. Last evaluated: 2023-05-01. Review status: criteria provided, single submitter. Criteria: CeGaT Center For Human Genetics Tuebingen Variant Classification Criteria Version 2. Collection method: clinical testing. Allele origin: germline. Affected: yes. Observed: 1 variant allele.
Comment: NBPF10: BP4, BP7

NM_001302371.3(NBPF10):c.1290C>A (p.Val430=)

Gene: NBPF10 (NBPF member 10; minus strand). Cytogenetic location: 1q21.1.
Variant type: single nucleotide variant.
Coding change: c.1290C>A on transcript NM_001302371.3 (MANE Select); coding-DNA position 1290, C replaced by A.
Protein change: p.Val430=; no amino-acid change (valine 430 retained).
Molecular consequence: synonymous variant.
Genome position (GRCh38, 1-based): chr1:146,135,323, G>T on the plus strand (C>A on the coding strand, the complement: NBPF10 is on the minus strand). VCF-style: chr1-146135323-G-T. GRCh37 (hg19) VCF-style: chr1-145302852-C-A.
Other names: c.1290C>A, p.Val430= (NM_001039703.6).
Identifiers: ClinVar variation 2639086 (VCV002639086.24), dbSNP rs1270965264, ClinGen allele CA420359169.